The following is an entry in ClinVar:

NM_203486.3(DLL3):c.*38A>G

Gene: DLL3 (delta like canonical Notch ligand 3; plus strand). Cytogenetic location: 19q13.2.
Variant type: single nucleotide variant.
Coding change: c.*38A>G on transcript NM_203486.3 (MANE Select); 38 bases downstream of the stop codon, A replaced by G.
Molecular consequence: 3 prime UTR variant.
Genome position (GRCh38, 1-based): chr19:39,508,295, A>G. VCF-style: chr19-39508295-A-G. GRCh37 (hg19) VCF-style: chr19-39998935-A-G.
Other names: c.*282A>G (NM_016941.4).
Identifiers: ClinVar variation 892624 (VCV000892624.4), dbSNP rs200982994, ClinGen allele CA9432579.
Genomic context (GRCh38, chr19:39,508,295, plus strand): 5'-ACTCATTTTGTTTCTAGGCCTGACGCGTCTCCTCCATCCGCACCTGGAGTCAGAGCGTGG[A>G]TTTTTGTATTTGCTCGGTGGTGCCCAGTCTCTGCCCCAGAGGCTTTGGAGTTCAATCTTG-3'

ClinVar aggregate classification (germline): Likely benign. Review status: criteria provided, single submitter (1 of 4 stars). 2 submissions from 1 submitter: Likely benign (2). Last evaluated 2018-01-13.

Conditions:
Syndactyly. Also called: Webbed fingers or toes. Identifiers: MedGen C0039075, MONDO:0021002, HP:0001159.
Spondylocostal dysostosis 1, autosomal recessive (SCDO1). Also called: DLL3-Related Spondylocostal Dysostosis, Autosomal Recessive. Identifiers: Orphanet 2311, MedGen CN032975, MONDO:0020692, OMIM 277300.

Allele frequency attached by ClinVar (database versions not stated): TOPMed 0.00016; gnomAD 0.00018 and 0.00023; ExAC 0.00048; 1000 Genomes Project 0.00140; 1000 Genomes Project 30x 0.00141.
gnomAD v4.1: 185 of 1,612,882 alleles (0.011%); highest among the groups gnomAD compares: East Asian, 0.37%; no homozygotes.

Submissions (2):

Illumina Laboratory Services, Illumina
Classification: Likely benign for Spondylocostal dysostosis 1, autosomal recessive. Last evaluated: 2018-01-13. Review status: criteria provided, single submitter. Criteria: ICSL Variant Classification Criteria 13 December 2019. Collection method: clinical testing. Allele origin: germline.
Comment: This variant was observed in the ICSL laboratory as part of a predisposition screen in an ostensibly healthy population. It had not been previously curated by ICSL or reported in the Human Gene Mutation Database (HGMD: prior to June 1st, 2018), and was therefore a candidate for classification through an automated scoring system. Utilizing variant allele frequency, disease prevalence and penetrance estimates, and inheritance mode, an automated score was calculated to assess if this variant is too frequent to cause the disease. Based on the score and internal cut-off values, a variant classified as likely benign is not then subjected to further curation. The score for this variant resulted in a classification of likely benign for this disease.

Illumina Laboratory Services, Illumina
Classification: Likely benign for Non-syndromic syndactyly. Last evaluated: 2018-01-13. Review status: criteria provided, single submitter. Criteria: ICSL Variant Classification Criteria 13 December 2019. Collection method: clinical testing. Allele origin: germline.
Comment: the same text as in the submission from Illumina Laboratory Services, Illumina above.